The following is an entry in ClinVar:

ClinVar aggregate classification (germline): Uncertain significance (1 of 4 stars; one submission).

Allele frequency attached by ClinVar (database versions not stated): gnomAD exomes below 0.00001.
gnomAD v4.1: 2 of 1,600,854 alleles (0.00012%); highest among the groups gnomAD compares: East Asian, 0.0023%; no homozygotes.

Submission:

Labcorp Genetics (formerly Invitae), Labcorp
Classification: Uncertain significance. Last evaluated: 2022-05-06. Review status: criteria provided, single submitter. Criteria: Invitae Variant Classification Sherloc (09022015). Collection method: clinical testing. Allele origin: germline.
Comment: In summary, the available evidence is currently insufficient to determine the role of this variant in disease. Therefore, it has been classified as a Variant of Uncertain Significance. Algorithms developed to predict the effect of missense changes on protein structure and function (SIFT, PolyPhen-2, Align-GVGD) all suggest that this variant is likely to be tolerated. This variant has not been reported in the literature in individuals affected with IFT74-related conditions. This variant is not present in population databases (gnomAD no frequency). This sequence change replaces methionine, which is neutral and non-polar, with valine, which is neutral and non-polar, at codon 559 of the IFT74 protein (p.Met559Val).

NM_025103.4(IFT74):c.1675A>G (p.Met559Val)

Gene: IFT74 (intraflagellar transport 74; plus strand). Cytogenetic location: 9p21.2.
Variant type: single nucleotide variant.
Coding change: c.1675A>G on transcript NM_025103.4 (MANE Select); coding-DNA position 1675, A replaced by G.
Protein change: p.Met559Val; replaces methionine 559 with valine.
Molecular consequence: missense variant.
Genome position (GRCh38, 1-based): chr9:27,060,642, A>G. VCF-style: chr9-27060642-A-G. GRCh37 (hg19) VCF-style: chr9-27060640-A-G.
Other names: c.1675A>G, p.Met559Val (NM_001099222.3, NM_001099223.3, NM_001349928.2); short protein forms M559V.
Identifiers: ClinVar variation 1926244 (VCV001926244.5), dbSNP rs1820374946, ClinGen allele CA373129693.